The following is an entry in ClinVar:

ClinVar aggregate classification (germline): Uncertain significance (1 of 4 stars; one submission).

Submission:

GeneDx
Classification: Uncertain significance. Last evaluated: 2025-05-23. Review status: criteria provided, single submitter. Criteria: GeneDx Variant Classification Process June 2021. Collection method: clinical testing. Allele origin: germline. Affected: yes.
Comment: In silico analysis supports that this missense variant has a deleterious effect on protein structure/function; Has not been previously published as pathogenic or benign to our knowledge

NM_015656.2(KIF26A):c.4264C>T (p.Arg1422Trp)

Gene: KIF26A (kinesin family member 26A; plus strand). Cytogenetic location: 14q32.33.
Variant type: single nucleotide variant.
Coding change: c.4264C>T on transcript NM_015656.2 (MANE Select); coding-DNA position 4264, C replaced by T.
Protein change: p.Arg1422Trp; replaces arginine 1422 with tryptophan.
Molecular consequence: missense variant.
Genome position (GRCh38, 1-based): chr14:104,177,052, C>T. VCF-style: chr14-104177052-C-T. GRCh37 (hg19) VCF-style: chr14-104643389-C-T.
Other names: short protein forms R1422W.
Identifiers: ClinVar variation 3370854 (VCV003370854.2).